The following is an entry in ClinVar:

NM_033116.6(NEK9):c.715T>C (p.Cys239Arg)

Gene: NEK9 (NIMA related kinase 9; minus strand). Cytogenetic location: 14q24.3.
Variant type: single nucleotide variant.
Coding change: c.715T>C on transcript NM_033116.6 (MANE Select); coding-DNA position 715, T replaced by C.
Protein change: p.Cys239Arg; replaces cysteine 239 with arginine.
Molecular consequence: missense variant.
Genome position (GRCh38, 1-based): chr14:75,117,242, A>G on the plus strand (T>C on the coding strand, the complement: NEK9 is on the minus strand). VCF-style: chr14-75117242-A-G. GRCh37 (hg19) VCF-style: chr14-75583945-A-G.
Other names: c.715T>C, p.Cys239Arg (NM_001329237.2); c.361T>C, p.Cys121Arg (NM_001329238.2); short protein forms C121R, C239R.
Identifiers: ClinVar variation 4681728 (VCV004681728.5).

ClinVar aggregate classification (germline): Uncertain significance (1 of 4 stars; one submission).

Submission:

CeGaT Center for Human Genetics Tuebingen
Classification: Uncertain significance. Last evaluated: 2026-03-01. Review status: criteria provided, single submitter. Criteria: CeGaT Center For Human Genetics Tuebingen Variant Classification Criteria Version 2. Collection method: clinical testing. Allele origin: germline. Affected: yes. Observed: 3 variant alleles.
Comment: NEK9: PM2, PM3:Supporting, PP2, PP3